The following is an entry in ClinVar:

NM_000540.3(RYR1):c.5389C>T (p.Arg1797Cys)

Gene: RYR1 (ryanodine receptor 1; plus strand). Cytogenetic location: 19q13.2.
Variant type: single nucleotide variant.
Coding change: c.5389C>T on transcript NM_000540.3 (MANE Select); coding-DNA position 5389, C replaced by T.
Protein change: p.Arg1797Cys; replaces arginine 1797 with cysteine.
Molecular consequence: missense variant.
Genome position (GRCh38, 1-based): chr19:38,486,044, C>T. VCF-style: chr19-38486044-C-T. GRCh37 (hg19) VCF-style: chr19-38976684-C-T.
Other names: c.5389C>T, p.Arg1797Cys (NM_001042723.2); short protein forms R1797C.
Identifiers: ClinVar variation 2435562 (VCV002435562.5), dbSNP rs1252469662, ClinGen allele CA405654982.

ClinVar aggregate classification (germline): Uncertain significance. Review status: criteria provided, multiple submitters, no conflicts (2 of 4 stars). 3 submissions from 3 submitters: Uncertain significance (3). Last evaluated 2025-05-25.

Conditions:
Malignant hyperthermia, susceptibility to, 1 (MHS1). Also called: Anesthesia related hyperthermia; Malignant hyperpyrexia; Fulminating hyperpyrexia; Pharmacogenic myopathy; Malignant hyperthermia suceptibility 1; RYR1-Related Malignant Hyperthermia Susceptibility. Identifiers: Orphanet 423, MedGen C2930980, MONDO:0007783, OMIM 145600.

Allele frequency attached by ClinVar (database versions not stated): TOPMed below 0.00001.
gnomAD v4.1: 3 of 1,612,736 alleles (0.00019%); highest among the groups gnomAD compares: Non-Finnish European, 0.00025%; no homozygotes.

Submissions (3):

Color Diagnostics, LLC DBA Color Health
Classification: Uncertain significance for Malignant hyperthermia, susceptibility to, 1. Last evaluated: 2025-05-25. Review status: criteria provided, single submitter. Criteria: ACMG Guidelines, 2015. Collection method: clinical testing. Allele origin: germline.
Comment: This missense variant replaces arginine with cysteine at codon 1797 of the RYR1 protein. Computational prediction suggests that this variant may not impact protein structure and function. To our knowledge, functional studies have not been reported for this variant. This variant has not been reported in individuals affected with RYR1-related disorders in the literature. This variant has not been identified in the general population by the Genome Aggregation Database (gnomAD). The available evidence is insufficient to determine the role of this variant in disease conclusively. Therefore, this variant is classified as a Variant of Uncertain Significance.

GeneDx
Classification: Uncertain significance. Last evaluated: 2024-11-22. Review status: criteria provided, single submitter. Criteria: GeneDx Variant Classification Process June 2021. Collection method: clinical testing. Allele origin: germline. Affected: yes.
Comment: Not observed at significant frequency in large population cohorts (gnomAD); In silico analysis supports that this missense variant has a deleterious effect on protein structure/function; Has not been previously published as pathogenic or benign to our knowledge

Revvity Omics, Revvity
Classification: Uncertain significance. Last evaluated: 2020-06-19. Review status: criteria provided, single submitter. Criteria: ACMG Guidelines, 2015. Collection method: clinical testing. Allele origin: germline.